The following is an entry in ClinVar:

NM_020975.6(RET):c.3046T>A (p.Leu1016Met)

Gene: RET (ret proto-oncogene; plus strand). Cytogenetic location: 10q11.21.
Variant type: single nucleotide variant.
Coding change: c.3046T>A on transcript NM_020975.6 (MANE Select); coding-DNA position 3046, T replaced by A.
Protein change: p.Leu1016Met; replaces leucine 1016 with methionine.
Molecular consequence: missense variant.
Genome position (GRCh38, 1-based): chr10:43,126,581, T>A. VCF-style: chr10-43126581-T-A. GRCh37 (hg19) VCF-style: chr10-43622029-T-A.
Other names: c.2758T>A, p.Leu920Met (NM_001406767.1, NM_001406770.1, NM_001406766.1); c.2782T>A, p.Leu928Met (NM_001406768.1); c.2650T>A, p.Leu884Met (NM_001406769.1, NM_001406772.1); c.2608T>A, p.Leu870Met (NM_001406771.1, NM_001406773.1); c.2521T>A, p.Leu841Met (NM_001406774.1); c.2320T>A, p.Leu774Met (NM_001406775.1, NM_001406776.1, NM_001406777.1 and 1 more transcripts); c.2020T>A, p.Leu674Met (NM_001406786.1, NM_001406783.1); c.2014T>A, p.Leu672Met (NM_001406787.1); and 10 more; short protein forms L762M, L1016M, L672M, L884M, L920M, L533M, L674M, L971M.
Identifiers: ClinVar variation 1480170 (VCV001480170.7), dbSNP rs2133032658, ClinGen allele CA376558280.

ClinVar aggregate classification (germline): Uncertain significance (1 of 4 stars; one submission).

Conditions:
Multiple endocrine neoplasia, type 2 (MEN2). Identifiers: Orphanet 653, MedGen C4048306, MONDO:0019003. Disease mechanism: gain of function.

Allele frequency attached by ClinVar (database versions not stated): gnomAD exomes below 0.00001.
gnomAD v4.1: 1 of 1,613,968 alleles (0.000062%); highest among the groups gnomAD compares: Non-Finnish European, 0.000085%; no homozygotes.

Submission:

Labcorp Genetics (formerly Invitae), Labcorp
Classification: Uncertain significance for Multiple endocrine neoplasia, type 2. Last evaluated: 2021-08-03. Review status: criteria provided, single submitter. Criteria: Invitae Variant Classification Sherloc (09022015). Collection method: clinical testing. Allele origin: germline.
Comment: This sequence change replaces leucine with methionine at codon 1016 of the RET protein (p.Leu1016Met). The leucine residue is highly conserved and there is a small physicochemical difference between leucine and methionine. In summary, the available evidence is currently insufficient to determine the role of this variant in disease. Therefore, it has been classified as a Variant of Uncertain Significance. Algorithms developed to predict the effect of missense changes on protein structure and function are either unavailable or do not agree on the potential impact of this missense change (SIFT: "Deleterious"; PolyPhen-2: "Probably Damaging"; Align-GVGD: "Class C0"). This variant has not been reported in the literature in individuals affected with RET-related conditions. This variant is not present in population databases (ExAC no frequency).